The following is an entry in ClinVar:

ClinVar aggregate classification (germline): Uncertain significance. Review status: criteria provided, multiple submitters, no conflicts (2 of 4 stars). 2 submissions from 2 submitters: Uncertain significance (2). Last evaluated 2021-10-21.

Conditions:
Inborn genetic diseases. Identifiers: MedGen C0950123, MeSH D030342.

Allele frequency attached by ClinVar (database versions not stated): gnomAD exomes 0.00001; TOPMed 0.00001; gnomAD 0.00002.
gnomAD v4.1: 9 of 1,222,020 alleles (0.00074%); highest among the groups gnomAD compares: Non-Finnish European, 0.00092%; no homozygotes.

Submissions (2):

Ambry Genetics
Classification: Uncertain significance for Inborn genetic diseases. Last evaluated: 2021-10-21. Review status: criteria provided, single submitter. Criteria: Ambry Variant Classification Scheme 2023. Collection method: clinical testing. Allele origin: germline.

Laboratory for Molecular Medicine, Mass General Brigham Personalized Medicine
Classification: Uncertain significance. Last evaluated: 2015-04-17. Review status: criteria provided, single submitter. Criteria: LMM Criteria. Collection method: clinical testing. Allele origin: germline. Observed: 1 variant allele.
Comment: The p.Ser672Cys variant in MYO15A has not been previously reported in individual s with hearing loss. Data from large population studies is insufficient to asses s the frequency of this variant. Computational prediction tools and evolutionary conservation analyses suggest that this variant may not impact the protein, tho ugh this information is not predictive enough to rule out pathogenicity. In summ ary, the clinical significance of the p.Ser672Cys variant is uncertain.

NM_016239.4(MYO15A):c.2015C>G (p.Ser672Cys)

Gene: MYO15A (myosin XVA; plus strand). Cytogenetic location: 17p11.2.
Variant type: single nucleotide variant.
Coding change: c.2015C>G on transcript NM_016239.4 (MANE Select); coding-DNA position 2015, C replaced by G.
Protein change: p.Ser672Cys; replaces serine 672 with cysteine.
Molecular consequence: missense variant.
Genome position (GRCh38, 1-based): chr17:18,120,815, C>G. VCF-style: chr17-18120815-C-G. GRCh37 (hg19) VCF-style: chr17-18024129-C-G.
Other names: short protein forms S672C.
Identifiers: ClinVar variation 228944 (VCV000228944.6), dbSNP rs876657897, ClinGen allele CA10577014.